The following is an entry in ClinVar:

ClinVar aggregate classification (germline): Likely benign (1 of 4 stars; one submission).

Conditions:
RAI1-related disorder. Also called: RAI1-related condition.

gnomAD v4.1: 1 of 1,613,148 alleles (0.000062%); highest among the groups gnomAD compares: South Asian, 0.0011%; no homozygotes.

Submission:

PreventionGenetics, part of Exact Sciences
Classification: Likely benign for RAI1-related condition. Last evaluated: 2026-09-17. Review status: criteria provided, single submitter. Criteria: ACMG Guidelines, 2015. Collection method: clinical testing. Allele origin: germline.
Comment: This variant is classified as likely benign based on ACMG/AMP sequence variant interpretation guidelines (Richards et al. 2015 PMID: 25741868, with internal and published modifications).

NM_030665.4(RAI1):c.732C>T (p.Ala244=)

Gene: RAI1 (retinoic acid induced 1; plus strand). Cytogenetic location: 17p11.2.
Variant type: single nucleotide variant.
Coding change: c.732C>T on transcript NM_030665.4 (MANE Select); coding-DNA position 732, C replaced by T.
Protein change: p.Ala244=; no amino-acid change (alanine 244 retained).
Molecular consequence: synonymous variant.
Genome position (GRCh38, 1-based): chr17:17,793,680, C>T. VCF-style: chr17-17793680-C-T. GRCh37 (hg19) VCF-style: chr17-17696994-C-T.
Identifiers: ClinVar variation 4992596 (VCV004992596.1).